The following is an entry in ClinVar:

NM_005629.4(SLC6A8):c.383C>T (p.Pro128Leu)

Gene: SLC6A8 (solute carrier family 6 member 8; plus strand). Cytogenetic location: Xq28.
Variant type: single nucleotide variant.
Coding change: c.383C>T on transcript NM_005629.4 (MANE Select); coding-DNA position 383, C replaced by T.
Protein change: p.Pro128Leu; replaces proline 128 with leucine.
Molecular consequence: missense variant.
Genome position (GRCh38, 1-based): chrX:153,690,495, C>T. VCF-style: chrX-153690495-C-T. GRCh37 (hg19) VCF-style: chrX-152955950-C-T.
Other names: c.383C>T, p.Pro128Leu (NM_001142805.2); c.38C>T, p.Pro13Leu (NM_001142806.1); short protein forms P128L, P13L.
Identifiers: ClinVar variation 4686365 (VCV004686365.1).

ClinVar aggregate classification (germline): Uncertain significance (1 of 4 stars; one submission).

Submission:

GeneDx
Classification: Uncertain significance. Last evaluated: 2025-07-17. Review status: criteria provided, single submitter. Criteria: GeneDx Variant Classification Process June 2021. Collection method: clinical testing. Allele origin: germline. Affected: yes.
Comment: Not observed at significant frequency in large population cohorts (gnomAD); In silico analysis supports that this missense variant has a deleterious effect on protein structure/function; Has not been previously published as pathogenic or benign to our knowledge